The following is an entry in ClinVar:

ClinVar aggregate classification (germline): Uncertain significance (1 of 4 stars; one submission).

Allele frequency attached by ClinVar (database versions not stated): gnomAD exomes 0.00001.
gnomAD v4.1: 10 of 1,520,212 alleles (0.00066%); highest among the groups gnomAD compares: South Asian, 0.0085%; no homozygotes.

Submission:

Labcorp Genetics (formerly Invitae), Labcorp
Classification: Uncertain significance. Last evaluated: 2024-02-24. Review status: criteria provided, single submitter. Criteria: Invitae Variant Classification Sherloc (09022015). Collection method: clinical testing. Allele origin: germline.
Comment: This sequence change replaces alanine, which is neutral and non-polar, with serine, which is neutral and polar, at codon 981 of the CACNA1B protein (p.Ala981Ser). This variant is present in population databases (no rsID available, gnomAD 0.01%). This variant has not been reported in the literature in individuals affected with CACNA1B-related conditions. ClinVar contains an entry for this variant (Variation ID: 1914811). Advanced modeling of protein sequence and biophysical properties (such as structural, functional, and spatial information, amino acid conservation, physicochemical variation, residue mobility, and thermodynamic stability) performed at Invitae indicates that this missense variant is not expected to disrupt CACNA1B protein function with a negative predictive value of 80%. In summary, the available evidence is currently insufficient to determine the role of this variant in disease. Therefore, it has been classified as a Variant of Uncertain Significance.

NM_000718.4(CACNA1B):c.2941G>T (p.Ala981Ser)

Gene: CACNA1B (calcium voltage-gated channel subunit alpha1 B; plus strand). Cytogenetic location: 9q34.3.
Variant type: single nucleotide variant.
Coding change: c.2941G>T on transcript NM_000718.4 (MANE Select); coding-DNA position 2941, G replaced by T.
Protein change: p.Ala981Ser; replaces alanine 981 with serine.
Molecular consequence: missense variant.
Genome position (GRCh38, 1-based): chr9:138,023,684, G>T. VCF-style: chr9-138023684-G-T. GRCh37 (hg19) VCF-style: chr9-140918136-G-T.
Other names: c.2941G>T, p.Ala981Ser (NM_001243812.2); short protein forms A981S.
Identifiers: ClinVar variation 1914811 (VCV001914811.5), dbSNP rs1042088019, ClinGen allele CA375810453.